The following is an entry in ClinVar:

ClinVar aggregate classification (germline): Uncertain significance (1 of 4 stars; one submission).

Conditions:
Familial hemiplegic migraine. Identifiers: MedGen C0338484, MONDO:0000700.

Submission:

Labcorp Genetics (formerly Invitae), Labcorp
Classification: Uncertain significance for Familial hemiplegic migraine. Last evaluated: 2024-07-26. Review status: criteria provided, single submitter. Criteria: Invitae Variant Classification Sherloc (09022015). Collection method: clinical testing. Allele origin: germline.
Comment: This sequence change replaces leucine, which is neutral and non-polar, with valine, which is neutral and non-polar, at codon 841 of the ATP1A2 protein (p.Leu841Val). This variant is not present in population databases (gnomAD no frequency). This variant has not been reported in the literature in individuals affected with ATP1A2-related conditions. Advanced modeling of protein sequence and biophysical properties (such as structural, functional, and spatial information, amino acid conservation, physicochemical variation, residue mobility, and thermodynamic stability) has been performed at Invitae for this missense variant, however the output from this modeling did not meet the statistical confidence thresholds required to predict the impact of this variant on ATP1A2 protein function. In summary, the available evidence is currently insufficient to determine the role of this variant in disease. Therefore, it has been classified as a Variant of Uncertain Significance.

NM_000702.4(ATP1A2):c.2521C>G (p.Leu841Val)

Gene: ATP1A2 (ATPase Na+/K+ transporting subunit alpha 2; plus strand). Cytogenetic location: 1q23.2.
Variant type: single nucleotide variant.
Coding change: c.2521C>G on transcript NM_000702.4 (MANE Select); coding-DNA position 2521, C replaced by G.
Protein change: p.Leu841Val; replaces leucine 841 with valine.
Molecular consequence: missense variant.
Genome position (GRCh38, 1-based): chr1:160,136,328, C>G. VCF-style: chr1-160136328-C-G. GRCh37 (hg19) VCF-style: chr1-160106118-C-G.
Other names: short protein forms L841V.
Identifiers: ClinVar variation 3656731 (VCV003656731.2).